The following is an entry in ClinVar:

NM_014874.4(MFN2):c.1161-234C>T

Gene: MFN2 (mitofusin 2; plus strand). Cytogenetic location: 1p36.22.
Variant type: single nucleotide variant.
Coding change: c.1161-234C>T on transcript NM_014874.4 (MANE Select); 234 bases into the intron before coding-DNA position 1161, C replaced by T.
Molecular consequence: intron variant.
Genome position (GRCh38, 1-based): chr1:12,003,758, C>T. VCF-style: chr1-12003758-C-T. GRCh37 (hg19) VCF-style: chr1-12063815-C-T.
Other names: c.1161-234C>T (NM_001127660.2).
Identifiers: ClinVar variation 2638244 (VCV002638244.24), dbSNP rs1029941162, ClinGen allele CA18010942.

ClinVar aggregate classification (germline): Likely benign (1 of 4 stars; one submission).

Allele frequency attached by ClinVar (database versions not stated): gnomAD 0.00001; TOPMed 0.00001.

Submission:

CeGaT Center for Human Genetics Tuebingen
Classification: Likely benign. Last evaluated: 2023-03-01. Review status: criteria provided, single submitter. Criteria: CeGaT Center For Human Genetics Tuebingen Variant Classification Criteria Version 2. Collection method: clinical testing. Allele origin: germline. Affected: yes. Observed: 1 variant allele.
Comment: MFN2: BP4, BP7